The following is an entry in ClinVar:

NM_001005242.3(PKP2):c.1757del (p.Ile586fs)

Gene: PKP2 (plakophilin 2; minus strand). Cytogenetic location: 12p11.21.
Variant type: Deletion.
Coding change: c.1757del on transcript NM_001005242.3 (MANE Select); coding-DNA position 1757, one base deleted (T; older notation c.1757delT).
Protein change: p.Ile586fs; shifts the reading frame from isoleucine 586.
Molecular consequence: frameshift variant. On other transcripts: intron variant (1).
Genome position (GRCh38, 1-based): chr12:32,822,549, A deleted on the plus strand (T on the coding strand, the reverse complement: PKP2 is on the minus strand). VCF-style (leftmost placement, unchanged base first): chr12-32822548-GA-G. GRCh37 (hg19) VCF-style: chr12-32975482-GA-G.
Other names: c.1757del, p.Ile586fs (NM_001407155.1, NM_001407161.1); c.1889del, p.Ile630fs (NM_001407157.1, NM_004572.4); c.1430del, p.Ile477fs (NM_001407158.1, NM_001407159.1, NM_001407160.1 and 1 more transcripts); c.1675-1020del (NM_001407156.1); short protein forms I477fs, I586fs, I630fs.
Identifiers: ClinVar variation 2792714 (VCV002792714.3), dbSNP rs2541231754, ClinGen allele CA2739271932.

ClinVar aggregate classification (germline): Pathogenic (1 of 4 stars; one submission).

Conditions:
Arrhythmogenic right ventricular dysplasia 9 (ARVD9). Also called: Arrhythmogenic Right Ventricular Dysplasia/Cardiomyopathy 9; ARRHYTHMOGENIC RIGHT VENTRICULAR DYSPLASIA, FAMILIAL, 9. Identifiers: MedGen C1836906, MONDO:0012180, OMIM 609040.

Submission:

Labcorp Genetics (formerly Invitae), Labcorp
Classification: Pathogenic for Arrhythmogenic right ventricular dysplasia 9. Last evaluated: 2023-06-15. Review status: criteria provided, single submitter. Criteria: Invitae Variant Classification Sherloc (09022015). Collection method: clinical testing. Allele origin: germline.
Comment: For these reasons, this variant has been classified as Pathogenic. This variant has not been reported in the literature in individuals affected with PKP2-related conditions. This variant is not present in population databases (gnomAD no frequency). This sequence change creates a premature translational stop signal (p.Ile630Thrfs*26) in the PKP2 gene. It is expected to result in an absent or disrupted protein product. Loss-of-function variants in PKP2 are known to be pathogenic (PMID: 15489853, 23911551).

Literature cited by the submitters: PubMed 15489853; PubMed 23911551.